The following is an entry in ClinVar:

ClinVar aggregate classification (germline): Uncertain significance (1 of 4 stars; one submission).

Conditions:
MHC class II deficiency. Also called: Bare lymphocyte syndrome 2; BLS, TYPE II. Identifiers: Orphanet 572, MedGen C5447452, MONDO:0008855.

Submission:

Labcorp Genetics (formerly Invitae), Labcorp
Classification: Uncertain significance for MHC class II deficiency. Last evaluated: 2022-07-24. Review status: criteria provided, single submitter. Criteria: Invitae Variant Classification Sherloc (09022015). Collection method: clinical testing. Allele origin: germline.
Comment: Algorithms developed to predict the effect of missense changes on protein structure and function output the following: SIFT: "Deleterious"; PolyPhen-2: "Benign"; Align-GVGD: "Class C0". The lysine amino acid residue is found in multiple mammalian species, which suggests that this missense change does not adversely affect protein function. This variant has not been reported in the literature in individuals affected with CIITA-related conditions. This variant is not present in population databases (gnomAD no frequency). This sequence change replaces arginine, which is basic and polar, with lysine, which is basic and polar, at codon 92 of the CIITA protein (p.Arg92Lys). In summary, the available evidence is currently insufficient to determine the role of this variant in disease. Therefore, it has been classified as a Variant of Uncertain Significance.

NM_000246.4(CIITA):c.275G>A (p.Arg92Lys)

Gene: CIITA (class II major histocompatibility complex transactivator; plus strand). Cytogenetic location: 16p13.13.
Variant type: single nucleotide variant.
Coding change: c.275G>A on transcript NM_000246.4 (MANE Select); coding-DNA position 275, G replaced by A.
Protein change: p.Arg92Lys; replaces arginine 92 with lysine.
Molecular consequence: missense variant. On other transcripts: non-coding transcript variant (1).
Genome position (GRCh38, 1-based): chr16:10,895,744, G>A. VCF-style: chr16-10895744-G-A. GRCh37 (hg19) VCF-style: chr16-10989601-G-A.
Other names: c.275G>A, p.Arg92Lys (NM_001286402.1, NM_001286403.2, NM_001379330.1 and 3 more transcripts); c.203G>A, p.Arg68Lys (NM_001379334.1); short protein forms R92K, R68K.
Identifiers: ClinVar variation 1913738 (VCV001913738.5), dbSNP rs2038062995, ClinGen allele CA394726652.